The following is an entry in ClinVar:

NM_138420.4(AHNAK2):c.7975A>G (p.Arg2659Gly)

Gene: AHNAK2 (AHNAK nucleoprotein 2; minus strand). Cytogenetic location: 14q32.33.
Variant type: single nucleotide variant.
Coding change: c.7975A>G on transcript NM_138420.4 (MANE Select); coding-DNA position 7975, A replaced by G.
Protein change: p.Arg2659Gly; replaces arginine 2659 with glycine.
Molecular consequence: missense variant.
Genome position (GRCh38, 1-based): chr14:104,947,476, T>C on the plus strand (A>G on the coding strand, the complement: AHNAK2 is on the minus strand). VCF-style: chr14-104947476-T-C. GRCh37 (hg19) VCF-style: chr14-105413813-T-C.
Other names: c.7675A>G, p.Arg2559Gly (NM_001350929.2); short protein forms R2659G, R2559G.
Identifiers: ClinVar variation 2570206 (VCV002570206.26), dbSNP rs372141829, ClinGen allele CA7380306.
Genomic context (GRCh38, chr14:104,947,476, plus strand): 5'-CCACCTTCAGCTCAGACACATCCACCAACGCCTCGATGGACTCGCCTGGGGCCGACACCC[T>C]GAATGATGGCATCTTGAACTTGGGCATTTTGAACTTGCTATCTTTGGCTGTCACACCCTT-3'
Protein context (NP_612429.2, residues 2649-2669): KMPKFKMPSF[Arg2659Gly]VSAPGESIEA

ClinVar aggregate classification (germline): Likely benign. Review status: criteria provided, multiple submitters, no conflicts (2 of 4 stars). 2 submissions from 2 submitters: Likely benign (2). Last evaluated 2023-06-02.

Allele frequency attached by ClinVar (database versions not stated): ExAC 0.00038.

Submissions (2):

Ambry Genetics
Classification: Likely benign. Last evaluated: 2023-06-02. Review status: criteria provided, single submitter. Criteria: Ambry Variant Classification Scheme 2023. Collection method: clinical testing. Allele origin: germline.

CeGaT Center for Human Genetics Tuebingen
Classification: Likely benign. Last evaluated: 2023-06-01. Review status: criteria provided, single submitter. Criteria: CeGaT Center For Human Genetics Tuebingen Variant Classification Criteria Version 2. Collection method: clinical testing. Allele origin: germline. Affected: yes. Observed: 1 variant allele.
Comment: AHNAK2: BP4, BS1